The following is an entry in ClinVar:

ClinVar aggregate classification (germline): Likely pathogenic. Review status: reviewed by expert panel (3 of 4 stars). 7 submissions from 7 submitters: Likely pathogenic (1). 6 of the submissions do not count toward it. Last evaluated 2026-08-04.

Conditions:
Glycogen storage disease, type II (IOPD). Also called: POMPE DISEASE, INFANTILE-ONSET; GLYCOGEN STORAGE DISEASE II, INFANTILE-ONSET; ACID ALPHA-GLUCOSIDASE DEFICIENCY, INFANTILE-ONSET; GAA DEFICIENCY, INFANTILE-ONSET; ACID MALTASE DEFICIENCY, INFANTILE-ONSET; Glucosidase acid-1,4-alpha deficiency. Identifiers: Orphanet 365, MedGen C0017921, MONDO:0009290, OMIM 232300.

Allele frequency attached by ClinVar (database versions not stated): gnomAD exomes 0.00001 and below 0.00001.

Submissions (7):

ClinGen Lysosomal Storage Disorder Variant Curation Expert Panel
Classification: Likely pathogenic for Glycogen storage disease, type II. Last evaluated: 2026-08-04. Review status: reviewed by expert panel. Criteria: clingen_lsd_acmg_specifications_v2-1. Collection method: curation. Allele origin: germline. Inheritance: Autosomal recessive inheritance.
Comment: The NM_000152.5:c.281_282del (p.Pro94ArgfsTer51) variant in GAA is a frameshift variant predicted to cause a premature stop codon in exon 2 out of a total of 20 exons, leading to nonsense mediated decay in a gene in which loss-of-function is an established disease mechanism (PVS1). At least two possible patients have been reported with this variant, one with cardiomyopathy and/or arrhythmia, but no additional details available (PMID: 35947370), and at least one patient who is asymptomatic, with elevated CK (level unknown), positive family history (PMID: 34020684, 34305788). There is insufficient evidence available to apply PP4. At least one patient is compound heterozygous for the variant and another variant in GAA that has been classified as pathogenic by the ClinGen LD VCEP, c.-32-13G>T. However, given that the patient is asymptomatic, other than elevated CK (no further details available) (PMID: 34020684, 34305788; possibly the same patient/family member), this data will not be counted for PM3. The highest population minor allele frequency in gnomAD v4.1.0. is 0.00003 (2/60004 alleles) in the Admixed American population, which is lower than the ClinGen LD VCEP's threshold (<0.001) for PM2_Supporting, meeting this criterion (PM2_Supporting). There is a ClinVar entry for this variant (Variation ID: 370458). The classification of this variant has been upgraded from Variant of Uncertain Significance to Likely Pathogenic based on the recommendations of the ClinGen Sequence Variant Interpretation Working Group, that a variant meeting PVS1 and PM2_Supporting is classified as Likely Pathogenic. In summary, this variant meets the criteria to be classified as Likely Pathogenic for Pompe disease. GAA-specific ACMG/AMP criteria met, based on the specifications of the ClinGen Lysosomal Diseases Variant Curation Expert Panel (Specifications Version 2.0): PVS1, PM2_Supporting. (Classification approved by the ClinGen Lysosomal Diseases Variant Curation Expert Panel on August 4, 2026)

Genomenon, Inc
Classification: Pathogenic for Glycogen storage disease, type II. Last evaluated: 2026-07-01. Review status: criteria provided, single submitter. Criteria: Genomenon Sequence Variant Interpretation Standards - Updated. Collection method: curation. Allele origin: germline. Affected: yes. Not counted in ClinVar's aggregate classification.
Comment: GAA p.Pro94ArgfsTer51 (c.281_282del) is a frameshift variant that is predicted to introduce a premature termination codon and result in a truncated or absent protein product. This variant has been observed in at least one proband with a GAA-related disorder (PMID:34020684). It is absent or not present at a significant frequency in gnomAD. In conclusion, we classify GAA p.Pro94ArgfsTer51 (c.281_282del) as a pathogenic variant.

Dasa
Classification: Likely pathogenic for Glycogen storage disease, type II. Last evaluated: 2025-12-10. Review status: criteria provided, single submitter. Criteria: DASA Assertion Criteria. Collection method: clinical testing. Allele origin: germline. Not counted in ClinVar's aggregate classification.
Comment: NM_000152.5(GAA):c.281_282del (p.Pro94Argfs*51) is a frameshift variant in GAA predicted to alter the reading frame and introduce a premature termination codon and is predicted to result in an absent or altered protein product. Loss of function is an established disease mechanism for GAA-associated disorders. Also, this variant is rare in population databases. Based on the currently available evidence, this variant is classified as likely pathogenic.

Natera, Inc.
Classification: Likely pathogenic for Glycogen storage disease type II. Last evaluated: 2025-08-09. Review status: criteria provided, single submitter. Criteria: Natera Variant Classification Schema (03/2026). Collection method: clinical testing. Allele origin: germline. Not counted in ClinVar's aggregate classification.
Comment: The c.281_282delCT variant in GAA is a frameshift variant predicted to shift the reading frame beginning at codon 94 and leads to a stop codon 51 codons downstream. This variant is expected to result in nonsense mediated decay, truncation, or a dysfunctional protein product. This variant is rare in the general population with a frequency below the threshold expected for the associated phenotype(s). Given the available evidence, this variant is classified as Likely Pathogenic.

Labcorp Genetics (formerly Invitae), Labcorp
Classification: Pathogenic for Glycogen storage disease, type II. Last evaluated: 2024-11-03. Review status: criteria provided, single submitter. Criteria: Invitae Variant Classification Sherloc (09022015). Collection method: clinical testing. Allele origin: germline. Not counted in ClinVar's aggregate classification.
Comment: This sequence change creates a premature translational stop signal (p.Pro94Argfs*51) in the GAA gene. It is expected to result in an absent or disrupted protein product. Loss-of-function variants in GAA are known to be pathogenic (PMID: 18425781, 22252923). This variant is present in population databases (no rsID available, gnomAD 0.006%). This variant has not been reported in the literature in individuals affected with GAA-related conditions. ClinVar contains an entry for this variant (Variation ID: 370458). For these reasons, this variant has been classified as Pathogenic.

Broad Center for Mendelian Genomics, Broad Institute of MIT and Harvard
Classification: Likely pathogenic for Glycogen storage disease, type II. Last evaluated: 2020-01-22. Review status: criteria provided, single submitter. Criteria: ACMG Guidelines, 2015. Collection method: curation. Allele origin: germline. Inheritance: Autosomal recessive inheritance. Not counted in ClinVar's aggregate classification.
Comment: The p.Pro94ArgfsTer51 variant in GAA has not been previously reported in individuals with Glycogen Storage Disease II but has been reported likely pathogenic by Counsyl in ClinVar (Variation ID: 370458). This variant has been identified in 0.0060% (2/33534) of Latino chromosomes by the Genome Aggregation Database (gnomAD; dbSNP rs1057516503). Although this variant has been seen in the general population, its frequency is low enough to be consistent with a recessive carrier frequency. This variant is predicted to cause a frameshift, which alters the protein's amino acid sequence beginning at position 94 and leads to a premature termination codon 51 amino acids downstream. This alteration is then predicted to lead to a truncated or absent protein. Loss of function of the GAA gene is an established disease mechanism in autosomal recessive Glycogen Storage Disease II. In summary, although additional studies are required to fully establish its clinical significance, this variant is likely pathogenic. ACMG/AMP Criteria applied: PVS1, PM2 (Richards 2015).

Counsyl
Classification: Likely pathogenic for Glycogen storage disease, type II. Last evaluated: 2016-02-12. Review status: no assertion criteria provided. Collection method: clinical testing. Allele origin: unknown. Not counted in ClinVar's aggregate classification.

Literature cited by the submitters: PubMed 34020684 (cited by Genomenon, Inc); PubMed 18425781 (cited by Labcorp Genetics (formerly Invitae), Labcorp); PubMed 22252923 (cited by Labcorp Genetics (formerly Invitae), Labcorp).

NM_000152.5(GAA):c.281_282del (p.Pro94fs)

Gene: GAA (alpha glucosidase; plus strand). Cytogenetic location: 17q25.3.
Variant type: Deletion.
Coding change: c.281_282del on transcript NM_000152.5 (MANE Select); coding-DNA positions 281 to 282, 2 bases deleted (CT; older notation c.281_282delCT).
Protein change: p.Pro94fs; shifts the reading frame from proline 94.
Molecular consequence: frameshift variant.
Genome position (GRCh38, 1-based): chr17:80,104,867-80,104,868, CT deleted. VCF-style (leftmost placement, unchanged base first): chr17-80104866-CCT-C. GRCh37 (hg19) VCF-style: chr17-78078665-CCT-C.
Other names: c.281_282del (LRG_673t1, NM_000152.3); c.281_282del, p.Pro94fs (NM_001079803.3, NM_001079804.3); c.281_282delCT (NM_000152.4); short protein forms P94fs.
Identifiers: ClinVar variation 370458 (VCV000370458.22), dbSNP rs1057516503, ClinGen allele CA16041881.